The following is an entry in ClinVar:

ClinVar aggregate classification (germline): Likely benign (1 of 4 stars; one submission).

Submission:

CeGaT Center for Human Genetics Tuebingen
Classification: Likely benign. Last evaluated: 2025-04-01. Review status: criteria provided, single submitter. Criteria: CeGaT Center For Human Genetics Tuebingen Variant Classification Criteria Version 2. Collection method: clinical testing. Allele origin: germline. Affected: yes. Observed: 1 variant allele.
Comment: FOXO6: BP4, BP7

NM_001291281.3(FOXO6):c.1510C>T (p.Leu504=)

Gene: FOXO6 (forkhead box O6; plus strand). Cytogenetic location: 1p34.2.
Variant type: single nucleotide variant.
Coding change: c.1510C>T on transcript NM_001291281.3 (MANE Select); coding-DNA position 1510, C replaced by T.
Protein change: p.Leu504=; no amino-acid change (leucine 504 retained).
Molecular consequence: synonymous variant.
Genome position (GRCh38, 1-based): chr1:41,382,511, C>T. VCF-style: chr1-41382511-C-T. GRCh37 (hg19) VCF-style: chr1-41848183-C-T.
Identifiers: ClinVar variation 3898151 (VCV003898151.7).